The following is an entry in ClinVar:

NM_002382.5(MAX):c.295+2_295+3del

Gene: MAX (MYC associated transcriptional regulator X; minus strand). Cytogenetic location: 14q23.3.
Variant type: Deletion.
Coding change: c.295+2_295+3del on transcript NM_002382.5 (MANE Select); the canonical splice donor site of the intron after coding-DNA position 295 through 3 bases into the intron after coding-DNA position 295, 2 bases deleted (TG; older notation c.295+2_295+3delTG).
Molecular consequence: splice donor variant. On other transcripts: intron variant (2).
Genome position (GRCh38, 1-based): chr14:65,077,910-65,077,911, CA deleted on the plus strand (TG on the coding strand, the reverse complement: MAX is on the minus strand); deleting any 2 consecutive bases within chr14:65,077,910-65,077,912 gives the same sequence; the c. name uses the placement nearest the transcript's 3' end. VCF-style (leftmost placement, unchanged base first): chr14-65077909-TCA-T. GRCh37 (hg19) VCF-style: chr14-65544627-TCA-T.
Other names: c.144+15797_144+15798del (NM_001271069.2); c.171+15797_171+15798del (NM_197957.4); c.268+2_268+3del (NM_145112.3); c.21+2_21+3del (NM_001320415.2); c.295+2_295+3del (NM_145113.3).
Identifiers: ClinVar variation 834944 (VCV000834944.8), dbSNP rs2063102803, ClinGen allele CA916081720.
Genomic context (GRCh38, chr14:65,077,909, plus strand): 5'-GTGCCAAAGCCTGACCTGGCTGGAGCACAGCAGGGCCAGCTGCCCCACGAGCTCGGGTGC[TCA>T]CCTTGCTGCTCCAGAAGAGCATTCTGCCGCTTGAGGTCGTCAATATCTTGCTGGTGTGTG-3'

ClinVar aggregate classification (germline): Pathogenic (1 of 4 stars; one submission).

Conditions:
Hereditary pheochromocytoma and paraganglioma. Also called: Hereditary pheochromocytoma-paraganglioma; Hereditary paragangliomas and pheochromocytomas; Hereditary Paraganglioma-Pheochromocytoma Syndromes. Identifiers: Orphanet 29072, MedGen C4274332, MONDO:0017366.

Submission:

Labcorp Genetics (formerly Invitae), Labcorp
Classification: Pathogenic for Hereditary pheochromocytoma and paraganglioma. Last evaluated: 2022-11-22. Review status: criteria provided, single submitter. Criteria: Invitae Variant Classification Sherloc (09022015). Collection method: clinical testing. Allele origin: germline.
Comment: For these reasons, this variant has been classified as Pathogenic. This sequence change affects a donor splice site in intron 4 of the MAX gene. While this variant is not anticipated to result in nonsense mediated decay, it likely alters RNA splicing and results in a disrupted protein product. This variant is not present in population databases (gnomAD no frequency). Disruption of this splice site has been observed in individuals with paraganglioma and pheochromocytoma (PMID: 21685915, 22452945). ClinVar contains an entry for this variant (Variation ID: 834944). Variants that disrupt the consensus splice site are a relatively common cause of aberrant splicing (PMID: 17576681, 9536098). Algorithms developed to predict the effect of sequence changes on RNA splicing suggest that this variant may disrupt the consensus splice site. This variant disrupts the C-terminal domain of the MAX protein, which is essential for protein localization to the nucleus and suppression of MYC transactivation activity (PMID: 1459463, 1730412, 7630640). While functional studies have not been performed to directly test the effect of this variant on MAX protein function, this suggests that disruption of this region of the protein is causative of disease.

Literature cited by the submitters: PubMed 21685915; PubMed 22452945; PubMed 17576681; PubMed 9536098; PubMed 1459463; PubMed 1730412; PubMed 7630640.